The following is an entry in ClinVar:

NC_012920.1(MT-TT):m.15941T>C

Gene: MT-TT (mitochondrially encoded tRNA threonine; plus strand).
Variant type: single nucleotide variant.
Genome position: chrM-15941-T-C.
Identifiers: ClinVar variation 690252 (VCV000690252.1), dbSNP rs193303003, ClinGen allele CA337100600.

ClinVar aggregate classification (germline): Benign (1 of 4 stars; one submission).

Conditions:
MELAS syndrome (MELAS). Also called: Juvenile myopathy, encephalopathy, lactic acidosis, stroke. Identifiers: Orphanet 550, MedGen C0162671, MONDO:0010789, OMIM 540000.

Submission:

Wong Mito Lab, Molecular and Human Genetics, Baylor College of Medicine
Classification: Benign for MELAS syndrome. Last evaluated: 2019-07-12. Review status: criteria provided, single submitter. Criteria: Modified ACMG Guidelines (Unpublished). Collection method: clinical testing. Allele origin: germline.
Comment: The NC_012920.1:m.15941T>C variant in MT-TT gene is interpreted to be a Benign variant based on the modified ACMG guidelines (unpublished). This variant meets the following evidence codes reported in the guidelines: BS1, BS2, BP4

Literature cited by the submitters: PubMed 31965079.